The following is an entry in ClinVar:

NM_000238.4(KCNH2):c.2367C>T (p.Ile789=)

Gene: KCNH2 (potassium voltage-gated channel subfamily H member 2; minus strand). Cytogenetic location: 7q36.1.
Variant type: single nucleotide variant.
Coding change: c.2367C>T on transcript NM_000238.4 (MANE Select); coding-DNA position 2367, C replaced by T.
Protein change: p.Ile789=; no amino-acid change (isoleucine 789 retained).
Molecular consequence: synonymous variant. On other transcripts: non-coding transcript variant (2).
Genome position (GRCh38, 1-based): chr7:150,950,199, G>A on the plus strand (C>T on the coding strand, the complement: KCNH2 is on the minus strand). VCF-style: chr7-150950199-G-A. GRCh37 (hg19) VCF-style: chr7-150647287-G-A.
Other names: c.1347C>T, p.Ile449= (NM_001204798.2, NM_172057.3); c.2079C>T, p.Ile693= (NM_001406753.1, NM_001406756.1); c.2190C>T, p.Ile730= (NM_001406755.1); c.2067C>T, p.Ile689= (NM_001406757.1); c.2367C>T, p.Ile789= (NM_172056.3).
Identifiers: ClinVar variation 3075421 (VCV003075421.1), dbSNP rs2486024662, ClinGen allele CA458871167.

ClinVar aggregate classification (germline): Likely benign (1 of 4 stars; one submission).

Conditions:
Long QT syndrome (LQTS). Identifiers: MedGen C0023976, MeSH D008133, MONDO:0002442. Disease mechanism: loss of function. Inheritance: Various modes of inheritance.

Submission:

All of Us Research Program, National Institutes of Health
Classification: Likely benign for Long QT syndrome. Last evaluated: 2024-02-05. Review status: criteria provided, single submitter. Criteria: ACMG Guidelines, 2015. Collection method: clinical testing. Allele origin: germline. Inheritance: Autosomal dominant inheritance. Observed: 1 variant allele, 1 heterozygote.
Comment: This study involves interpretation of variants in research participants for the purpose of population health screening. Participant phenotype was not available at the time of variant classification. Additional details can be found in publication PMID: 35346344, PMCID: PMC8962531